The following is an entry in ClinVar:

ClinVar aggregate classification (germline): Uncertain significance (1 of 4 stars; one submission).

Conditions:
Hereditary cancer-predisposing syndrome. Also called: Tumor predisposition; Neoplastic Syndromes, Hereditary; Hereditary neoplastic syndrome; Hereditary Cancer Syndrome. Identifiers: Orphanet 140162, MedGen C0027672, MeSH D009386, MONDO:0015356.

Submission:

Ambry Genetics
Classification: Uncertain significance for Hereditary cancer-predisposing syndrome. Last evaluated: 2025-09-09. Review status: criteria provided, single submitter. Criteria: Ambry Variant Classification Scheme 2023. Collection method: clinical testing. Allele origin: germline.
Comment: The p.G670E variant (also known as c.2009G>A), located in coding exon 4 of the MSH6 gene, results from a G to A substitution at nucleotide position 2009. The glycine at codon 670 is replaced by glutamic acid, an amino acid with similar properties. This amino acid position is well conserved in available vertebrate species. In addition, this alteration is predicted to be deleterious by in silico analysis. Based on the available evidence, the clinical significance of this variant remains unclear.

NM_000179.3(MSH6):c.2009G>A (p.Gly670Glu)

Gene: MSH6 (mutS homolog 6; plus strand). Cytogenetic location: 2p16.3.
Variant type: single nucleotide variant.
Coding change: c.2009G>A on transcript NM_000179.3 (MANE Select); coding-DNA position 2009, G replaced by A.
Protein change: p.Gly670Glu; replaces glycine 670 with glutamic acid.
Molecular consequence: missense variant. On other transcripts: non-coding transcript variant (5), intron variant (2).
Genome position (GRCh38, 1-based): chr2:47,799,992, G>A. VCF-style: chr2-47799992-G-A. GRCh37 (hg19) VCF-style: chr2-48027131-G-A.
Other names: c.1103G>A, p.Gly368Glu (NM_001281493.2, NM_001281494.2, NM_001406823.1 and 6 more transcripts); c.1619G>A, p.Gly540Glu (NM_001281492.2); c.1712G>A, p.Gly571Glu (NM_001406818.1, NM_001406819.1, NM_001406820.1 and 10 more transcripts); c.1841G>A, p.Gly614Glu (NM_001406826.1); c.1606+403G>A (NM_001406817.1); c.628-674G>A (NM_001407362.1); c.2105G>A, p.Gly702Glu (NM_001406795.1, NM_001406802.1); c.2009G>A, p.Gly670Glu (NM_001406796.1, NM_001406798.1, NM_001406800.1 and 3 more transcripts); and 3 more; short protein forms G368E, G571E, G644E, G495E, G672E, G540E, G614E, G670E.
Identifiers: ClinVar variation 4111243 (VCV004111243.1).